The following is an entry in ClinVar:

ClinVar aggregate classification (germline): Uncertain significance (1 of 4 stars; one submission).

Conditions:
Hereditary cancer-predisposing syndrome. Also called: Tumor predisposition; Hereditary Cancer Syndrome; Neoplastic Syndromes, Hereditary; Hereditary neoplastic syndrome. Identifiers: Orphanet 140162, MedGen C0027672, MeSH D009386, MONDO:0015356.

Submission:

Molecular Diagnostics Laboratory, Catalan Institute of Oncology
Classification: Uncertain significance for Hereditary cancer-predisposing syndrome. Last evaluated: 2024-09-15. Review status: criteria provided, single submitter. Criteria: Submitter's publication. Collection method: clinical testing. Allele origin: germline.
Comment: PM1, PM2_Supporting c.909+2T>G, located in a canonic splicing site of the POLE gene, is predicted to alter splicing and could cause an in-frame skipping of exon 9, (r.802_909del); p.(Asp268_Gln303del) affecting a known exonuclease catalytic site.It is not present in the population database gnomAD v2.1.1, non cancer dataset (PM2_supporting). To our knowledge, neither relevant clinical data nor functional studies have been reported for this variant. Also, this variant has not been reported neither in ClinVar nor in LOVD databases. Based on currently available information, c.909+2T>G is classified as an uncertain significance variant according to ACMG guidelines.

NM_006231.4(POLE):c.909+2T>G

Gene: POLE (DNA polymerase epsilon, catalytic subunit; minus strand). Cytogenetic location: 12q24.33.
Variant type: single nucleotide variant.
Coding change: c.909+2T>G on transcript NM_006231.4 (MANE Select); the canonical splice donor site of the intron after coding-DNA position 909, T replaced by G.
Molecular consequence: splice donor variant.
Genome position (GRCh38, 1-based): chr12:132,676,544, A>C on the plus strand (T>G on the coding strand, the complement: POLE is on the minus strand). VCF-style: chr12-132676544-A-C. GRCh37 (hg19) VCF-style: chr12-133253130-A-C.
Identifiers: ClinVar variation 3774407 (VCV003774407.1).
Genomic context (GRCh38, chr12:132,676,544, plus strand): 5'-AGTATGGGGACCAGACAAGGTCCCCATCCCAGGAGCTTACTTCCCAGAAGCCACCTGCTC[A>C]CCTGGCCATCGATCATGTAGGAAATCATCATAATCTGGTCTGTCTCAGCATCAGGAAACT-3'